The following is an entry in ClinVar:

NM_000277.3(PAH):c.1158_1167del (p.Leu385_Tyr386insTer)

Gene: PAH (phenylalanine hydroxylase; minus strand). Cytogenetic location: 12q23.2.
Variant type: Deletion.
Coding change: c.1158_1167del on transcript NM_000277.3 (MANE Select); coding-DNA positions 1158 to 1167, 10 bases deleted (TTACGTGGCA; older notation c.1158_1167delTTACGTGGCA).
Protein change: p.Leu385_Tyr386insTer.
Molecular consequence: nonsense.
Genome position (GRCh38, 1-based): chr12:102,843,678-102,843,687, TGCCACGTAA deleted on the plus strand (TTACGTGGCA on the coding strand, the reverse complement: PAH is on the minus strand); deleting any 10 consecutive bases within chr12:102,843,678-102,843,688 gives the same sequence; the c. name uses the placement nearest the transcript's 3' end. VCF-style (leftmost placement, unchanged base first): chr12-102843677-CTGCCACGTAA-C. GRCh37 (hg19) VCF-style: chr12-103237455-CTGCCACGTAA-C.
Other names: c.1158_1167del, p.Leu385_Tyr386insTer (NM_001354304.2).
Identifiers: ClinVar variation 3640882 (VCV003640882.2).
Genomic context (GRCh38, chr12:102,843,677, plus strand): 5'-CTAGTGGCTCACCTTTGTCACCACCTCACCTTACTTTCTCCTTGGCATCATTAAAACTCT[CTGCCACGTAA>C]TAGAGGGGCTGGAACTCCGTGACAGTGTAATTTTGGATGGCTGTCTTCTCCAGCTCCAGG-3'

ClinVar aggregate classification (germline): Pathogenic (1 of 4 stars; one submission).

Conditions:
Phenylketonuria (PKU). Also called: FOLLING DISEASE; OLIGOPHRENIA PHENYLPYRUVICA; Phenylketonurias; Phenylketonuria (PKU). Identifiers: Orphanet 716, MedGen C0031485, MONDO:0009861, OMIM 261600. Disease mechanism: loss of function.

Submission:

Labcorp Genetics (formerly Invitae), Labcorp
Classification: Pathogenic for Phenylketonuria. Last evaluated: 2024-04-10. Review status: criteria provided, single submitter. Criteria: Invitae Variant Classification Sherloc (09022015). Collection method: clinical testing. Allele origin: germline.
Comment: This sequence change creates a premature translational stop signal (p.Tyr386*) in the PAH gene. It is expected to result in an absent or disrupted protein product. Loss-of-function variants in PAH are known to be pathogenic (PMID: 1301187, 9634518). This variant is not present in population databases (gnomAD no frequency). This variant has not been reported in the literature in individuals affected with PAH-related conditions. Algorithms developed to predict the effect of sequence changes on RNA splicing suggest that this variant may disrupt the consensus splice site. For these reasons, this variant has been classified as Pathogenic.

Literature cited by the submitters: PubMed 1301187; PubMed 9634518.